The following is an entry in ClinVar:

NM_001278716.2(FBXL4):c.1104-4G>T

Gene: FBXL4 (F-box and leucine rich repeat protein 4; minus strand). Cytogenetic location: 6q16.1.
Variant type: single nucleotide variant.
Coding change: c.1104-4G>T on transcript NM_001278716.2 (MANE Select); 4 bases into the intron before coding-DNA position 1104, G replaced by T.
Molecular consequence: intron variant.
Genome position (GRCh38, 1-based): chr6:98,899,485, C>A on the plus strand (G>T on the coding strand, the complement: FBXL4 is on the minus strand). VCF-style: chr6-98899485-C-A. GRCh37 (hg19) VCF-style: chr6-99347361-C-A.
Other names: c.1104-4G>T (NM_012160.5).
Identifiers: ClinVar variation 437694 (VCV000437694.11), dbSNP rs370992555, ClinGen allele CA3933522.
Genomic context (GRCh38, chr6:98,899,485, plus strand): 5'-AAGTGGCTGCAAGACAATTCAAGGCGTACTAATTCGGATCCACAAACCTTCAGAAACCTG[C>A]CAAAACAACATTCTATGTGAATTTTATAAAACTAAAAGATATTTTTGCAAGAACTTTGGA-3'

ClinVar aggregate classification (germline): Conflicting classifications of pathogenicity. Review status: criteria provided, conflicting classifications (1 of 4 stars). 3 submissions from 3 submitters: Uncertain significance (1); Likely benign (2). Last evaluated 2024-09-30.

Conditions:
Mitochondrial DNA depletion syndrome 13. Also called: Mitochondrial DNA depletion syndrome 13 (encephalomyopathic type); FBXL4-Related Encephalomyopathic Mitochondrial DNA Depletion Syndrome. Identifiers: Orphanet 369897, MedGen C3809592, MONDO:0014198, OMIM 615471.

Allele frequency attached by ClinVar (database versions not stated): TOPMed 0.00005; ESP Exome Variant Server 0.00008; 1000 Genomes Project 30x 0.00016; 1000 Genomes Project 0.00020.

Submissions (3):

Labcorp Genetics (formerly Invitae), Labcorp
Classification: Likely benign. Last evaluated: 2024-09-30. Review status: criteria provided, single submitter. Criteria: Invitae Variant Classification Sherloc (09022015). Collection method: clinical testing. Allele origin: germline.

Blueprint Genetics
Classification: Likely benign. Last evaluated: 2023-12-27. Review status: criteria provided, single submitter. Criteria: ACMG Guidelines, 2015. Collection method: clinical testing. Allele origin: germline.

Wong Mito Lab, Molecular and Human Genetics, Baylor College of Medicine
Classification: Uncertain significance for Mitochondrial DNA depletion syndrome 13. Last evaluated: 2017-08-10. Review status: criteria provided, single submitter. Criteria: ACMG Guidelines, 2015. Collection method: reference population. Allele origin: germline.
Comment: The NM_012160.4:c.1104-4G>T (NP_036292.2:p.=) [GRCH38: NC_000006.12:g.98899485C>A] variant in FBXL4 gene is interpretated to be a Uncertain Significance - Insufficient Evidence based on ACMG guidelines (PMID: 25741868). This variant meets one or more of the following evidence codes reported in the ACMG-guideline. PM2:This variant is absent in key population databases. Based on this evidence code ClinGen Pathogenicity Calculator (PMID:28081714) suggested that the variant is Uncertain Significance - Insufficient Evidence.